The following is an entry in ClinVar:

NM_004287.5(GOSR2):c.111C>T (p.Ile37=)

Genes: LRRC37A2 (leucine rich repeat containing 37 member A2), GOSR2 (golgi SNAP receptor complex member 2; plus strand), LOC126862578 (BRD4-independent group 4 enhancer GRCh37_chr17:45008344-45009543; plus strand). Cytogenetic location: 17q21.32.
Variant type: single nucleotide variant.
Coding change: c.111C>T on transcript NM_004287.5 (MANE Select); coding-DNA position 111, C replaced by T.
Protein change: p.Ile37=; no amino-acid change (isoleucine 37 retained).
Molecular consequence: synonymous variant. On other transcripts: non-coding transcript variant (3).
Genome position (GRCh38, 1-based): chr17:46,931,115, C>T. VCF-style: chr17-46931115-C-T. GRCh37 (hg19) VCF-style: chr17-45008481-C-T.
Other names: p.I37I:ATC>ATT; c.111C>T, p.Ile37= (NM_001012511.3, NM_001321133.2, NM_001330252.2 and 1 more transcripts); c.57C>T, p.Ile19= (NM_001321134.2, NM_001363851.2); c.108C>T, p.Ile36= (NM_001353114.2, NM_001353115.2, NM_001353116.2).
Identifiers: ClinVar variation 205628 (VCV000205628.46), dbSNP rs755662176, ClinGen allele CA314896.

ClinVar aggregate classification (germline): Benign/Likely benign. Review status: criteria provided, multiple submitters, no conflicts (2 of 4 stars). 6 submissions from 6 submitters: Benign (1); Likely benign (5). Last evaluated 2026-02-01.

Conditions:
Inborn genetic diseases. Identifiers: MedGen C0950123, MeSH D030342.
Progressive myoclonic epilepsy type 6. Identifiers: Orphanet 280620, MedGen C5190805, MONDO:0013526, OMIM 614018.
Progressive myoclonic epilepsy. Also called: Myoclonus epilepsy; Familial progressive myoclonic epilepsy; Myoclonic Epilepsies, Progressive; Progressive myoclonus epilepsy. Identifiers: Orphanet 308, Orphanet 98261, MedGen C0751778, MONDO:0020074.

Allele frequency attached by ClinVar (database versions not stated): gnomAD 0.00004 and 0.00005; TOPMed 0.00005.
gnomAD v4.1: 82 of 1,595,980 alleles (0.0051%); highest among the groups gnomAD compares: Middle Eastern, 0.1%; no homozygotes.

Submissions (6):

Labcorp Genetics (formerly Invitae), Labcorp
Classification: Likely benign for Progressive myoclonic epilepsy. Last evaluated: 2026-02-01. Review status: criteria provided, single submitter. Criteria: Invitae Variant Classification Sherloc (09022015). Collection method: clinical testing. Allele origin: germline.

Blueprint Genetics
Classification: Likely benign. Last evaluated: 2024-11-08. Review status: criteria provided, single submitter. Criteria: ACMG Guidelines, 2015. Collection method: clinical testing. Allele origin: germline.

CeGaT Center for Human Genetics Tuebingen
Classification: Likely benign. Last evaluated: 2022-01-01. Review status: criteria provided, single submitter. Criteria: CeGaT Center For Human Genetics Tuebingen Variant Classification Criteria Version 2. Collection method: clinical testing. Allele origin: germline. Affected: yes. Observed: 1 variant allele.

Fulgent Genetics
Classification: Likely benign for Progressive myoclonic epilepsy type 6. Last evaluated: 2021-12-14. Review status: criteria provided, single submitter. Criteria: ACMG Guidelines, 2015. Collection method: clinical testing. Allele origin: unknown.

Ambry Genetics
Classification: Likely benign for Inborn genetic diseases. Last evaluated: 2018-06-20. Review status: criteria provided, single submitter. Criteria: Ambry Variant Classification Scheme 2023. Collection method: clinical testing. Allele origin: germline.

GeneDx
Classification: Benign. Last evaluated: 2014-07-14. Review status: criteria provided, single submitter. Criteria: GeneDx Variant Classification (06012015). Collection method: clinical testing. Allele origin: germline. Affected: yes.
Comment: This variant is considered likely benign or benign based on one or more of the following criteria: it is a conservative change, it occurs at a poorly conserved position in the protein, it is predicted to be benign by multiple in silico algorithms, and/or has population frequency not consistent with disease.